The following is an entry in ClinVar:

ClinVar aggregate classification (germline): Conflicting classifications of pathogenicity. Review status: criteria provided, conflicting classifications (1 of 4 stars). 7 submissions from 7 submitters: Pathogenic (4); Likely pathogenic (1); Uncertain significance (1). 1 of the submissions does not count toward it. Last evaluated 2025-12-29.

Conditions:
Glycine encephalopathy 2 (GCE2). Identifiers: MedGen C5830559, MONDO:0958192, OMIM 620398.
Inborn genetic diseases. Identifiers: MedGen C0950123, MeSH D030342.
Glycine encephalopathy. Also called: Non-ketotic hyperglycinemia; Nonketotic hyperglycinemia. Identifiers: Orphanet 407, MedGen C0751748, MONDO:0011612, HP:0008288.

Allele frequency attached by ClinVar (database versions not stated): gnomAD 0.00001; gnomAD exomes 0.00004 and 0.00005; TOPMed 0.00001; ExAC 0.00005.

Submissions (7):

Natera, Inc.
Classification: Pathogenic for Non-ketotic hyperglycinemia. Last evaluated: 2025-12-29. Review status: criteria provided, single submitter. Criteria: Natera Variant Classification Schema (03/2026). Collection method: clinical testing. Allele origin: germline.
Comment: The c.139G>A variant in AMT is a missense variant predicted to cause substitution of glycine to arginine at amino acid 47. This variant is rare in the general population with a frequency below the threshold expected for the associated phenotype(s). This variant has been observed in one or more individuals affected with the associated recessive disease, as either homozygous or compound heterozygous with a second variant (PMID: 8005589, 27362913, 35616651). Additionally, this variant has been observed to segregate in affected family members (PMID: 8005589). Computational prediction algorithms indicate this variant is likely to affect gene or protein function. Given the available evidence, this variant is classified as Pathogenic.

3billion
Classification: Pathogenic for Glycine encephalopathy 2. Last evaluated: 2025-11-17. Review status: criteria provided, single submitter. Criteria: ACMG Guidelines, 2015. Collection method: clinical testing. Allele origin: germline. Affected: yes.
Comment: The variant is observed at an extremely low frequency in the gnomAD v4.1.0 dataset (total allele frequency: 0.003%). Predicted Consequence/Location: Missense variant In silico tool predictions suggest damaging effect of the variant on gene or gene product [REVEL: 0.88 (>=0.6, sensitivity 0.68 and specificity 0.92); 3Cnet: 0.60 (> 0.75, sensitivity 0.96 and precision 0.92)]. The same nucleotide change resulting in the same amino acid change has been previously reported as pathogenic/likely pathogenic with strong evidence (ClinVar ID: VCV000011975 /PMID: 8005589). The variant has been reported to be in trans with a pathogenic variant as either compound heterozygous or homozygous in at least one similarly affected unrelated individual (PMID: 8005589). A different missense change at the same codon (p.Gly47Trp) has been reported to be associated with AMT-related disorder (ClinVar ID: VCV000056226 /PMID: 16450403). Therefore, this variant is classified as Pathogenic according to the recommendation of ACMG/AMP guideline.

GeneDx
Classification: Likely pathogenic. Last evaluated: 2025-07-03. Review status: criteria provided, single submitter. Criteria: GeneDx Variant Classification Process June 2021. Collection method: clinical testing. Allele origin: germline. Affected: yes.
Comment: In silico analysis supports that this missense variant has a deleterious effect on protein structure/function; In silico analysis suggests this variant may impact gene splicing. In the absence of RNA/functional studies, the actual effect of this sequence change is unknown.; This variant is associated with the following publications: (PMID: 23352163, 16450403, 8005589, 26371980, 3769993, 9600239, 16157495, 27362913, 39160549, 11286506)

Revvity Omics, Revvity
Classification: Pathogenic for Glycine encephalopathy 2. Last evaluated: 2024-09-03. Review status: criteria provided, single submitter. Criteria: ACMG Guidelines, 2015. Collection method: clinical testing. Allele origin: germline.

Labcorp Genetics (formerly Invitae), Labcorp
Classification: Pathogenic for Glycine encephalopathy. Last evaluated: 2023-11-20. Review status: criteria provided, single submitter. Criteria: Invitae Variant Classification Sherloc (09022015). Collection method: clinical testing. Allele origin: germline.
Comment: This sequence change replaces glycine, which is neutral and non-polar, with arginine, which is basic and polar, at codon 47 of the AMT protein (p.Gly47Arg). This variant is present in population databases (rs121964982, gnomAD 0.009%). This missense change has been observed in individual(s) with glycine encephalopathy (PMID: 8005589, 27362913; Invitae). In at least one individual the data is consistent with being in trans (on the opposite chromosome) from a pathogenic variant. It has also been observed to segregate with disease in related individuals. ClinVar contains an entry for this variant (Variation ID: 11975). Advanced modeling of protein sequence and biophysical properties (such as structural, functional, and spatial information, amino acid conservation, physicochemical variation, residue mobility, and thermodynamic stability) performed at Invitae indicates that this missense variant is expected to disrupt AMT protein function with a positive predictive value of 95%. Experimental studies have shown that this missense change affects AMT function (PMID: 23352163). For these reasons, this variant has been classified as Pathogenic.

Ambry Genetics
Classification: Uncertain significance for Inborn genetic diseases. Last evaluated: 2016-03-04. Review status: criteria provided, single submitter. Criteria: Ambry exome assertion method (8-5-2015). Collection method: clinical testing. Allele origin: germline. Affected: yes. Observed: 1 variant allele.

OMIM
Classification: Pathogenic for GLYCINE ENCEPHALOPATHY 2. Last evaluated: 1994-06-01. Review status: no assertion criteria provided. Collection method: literature only. Allele origin: germline. Not counted in ClinVar's aggregate classification.

Literature cited by the submitters: PubMed 8005589 (cited by 4 submitters); PubMed 27362913 (cited by Natera, Inc. and Labcorp Genetics (formerly Invitae), Labcorp); PubMed 35616651 (cited by Natera, Inc.); PubMed 16450403 (cited by 3billion); PubMed 23352163 (cited by Labcorp Genetics (formerly Invitae), Labcorp); PubMed 3769993 (cited by OMIM).

NM_000481.4(AMT):c.139G>A (p.Gly47Arg)

Gene: AMT (aminomethyltransferase; minus strand). Cytogenetic location: 3p21.31.
Variant type: single nucleotide variant.
Coding change: c.139G>A on transcript NM_000481.4 (MANE Select); coding-DNA position 139, G replaced by A.
Protein change: p.Gly47Arg; replaces glycine 47 with arginine.
Molecular consequence: missense variant. On other transcripts: non-coding transcript variant (1), intron variant (1).
Genome position (GRCh38, 1-based): chr3:49,422,223, C>T on the plus strand (G>A on the coding strand, the complement: AMT is on the minus strand). VCF-style: chr3-49422223-C-T. GRCh37 (hg19) VCF-style: chr3-49459656-C-T.
Other names: c.139G>A, p.Gly47Arg (NM_001164710.2, NM_001164712.2); c.90+138G>A (NM_001164711.2); short protein forms G47R.
Identifiers: ClinVar variation 11975 (VCV000011975.20), dbSNP rs121964982, ClinGen allele CA256146.